The following is an entry in ClinVar:

ClinVar aggregate classification (germline): Pathogenic (1 of 4 stars; one submission).

Submission:

Labcorp Genetics (formerly Invitae), Labcorp
Classification: Pathogenic. Last evaluated: 2025-09-13. Review status: criteria provided, single submitter. Criteria: Invitae Variant Classification Sherloc (09022015). Collection method: clinical testing. Allele origin: germline.
Comment: This sequence change creates a premature translational stop signal (p.Gln814Serfs*42) in the USH2A gene. It is expected to result in an absent or disrupted protein product. Loss-of-function variants in USH2A are known to be pathogenic (PMID: 10729113, 10909849, 20507924, 25649381). This variant is not present in population databases (gnomAD no frequency). This premature translational stop signal has been observed in individual(s) with retinitis pigmentosa (PMID: 24938718). ClinVar contains an entry for this variant (Variation ID: 2734095). For these reasons, this variant has been classified as Pathogenic.

Literature cited by the submitters: PubMed 10729113; PubMed 10909849; PubMed 20507924; PubMed 25649381; PubMed 24938718.

NM_206933.4(USH2A):c.2439del (p.Gln814fs)

Genes: USH2A (usherin; minus strand), LOC122152296 (Sharpr-MPRA regulatory region 8762; plus strand). Cytogenetic location: 1q41.
Variant type: Deletion.
Coding change: c.2439del on transcript NM_206933.4 (MANE Select); coding-DNA position 2439, one base deleted (G; older notation c.2439delG).
Protein change: p.Gln814fs; shifts the reading frame from glutamine 814.
Molecular consequence: frameshift variant.
Genome position (GRCh38, 1-based): chr1:216,246,955, C deleted on the plus strand (G on the coding strand, the reverse complement: USH2A is on the minus strand); the first of 3 consecutive C bases (chr1:216,246,955-216,246,957); deleting any one gives the same sequence. VCF-style (leftmost placement, unchanged base first): chr1-216246954-GC-G. GRCh37 (hg19) VCF-style: chr1-216420296-GC-G.
Other names: c.2439del, p.Gln814fs (NM_007123.6); short protein forms Q814fs.
Identifiers: ClinVar variation 2734095 (VCV002734095.3), dbSNP rs1206374036, ClinGen allele CA731431711.